The following is an entry in ClinVar:

ClinVar aggregate classification (germline): Uncertain significance (1 of 4 stars; one submission).

Submission:

GeneDx
Classification: Uncertain significance. Last evaluated: 2024-09-19. Review status: criteria provided, single submitter. Criteria: GeneDx Variant Classification Process June 2021. Collection method: clinical testing. Allele origin: germline. Affected: yes.
Comment: Not observed at significant frequency in large population cohorts (gnomAD); In silico analysis supports that this missense variant has a deleterious effect on protein structure/function; Has not been previously published as pathogenic or benign to our knowledge

NM_001271.4(CHD2):c.3622C>A (p.Pro1208Thr)

Gene: CHD2 (chromodomain helicase DNA binding protein 2; plus strand). Cytogenetic location: 15q26.1.
Variant type: single nucleotide variant.
Coding change: c.3622C>A on transcript NM_001271.4 (MANE Select); coding-DNA position 3622, C replaced by A.
Protein change: p.Pro1208Thr; replaces proline 1208 with threonine.
Molecular consequence: missense variant.
Genome position (GRCh38, 1-based): chr15:92,996,983, C>A. VCF-style: chr15-92996983-C-A. GRCh37 (hg19) VCF-style: chr15-93540213-C-A.
Other names: short protein forms P1208T.
Identifiers: ClinVar variation 3774240 (VCV003774240.1).
Genomic context (GRCh38, chr15:92,996,983, plus strand): 5'-TTCATTTAACTAATGTGAAACTGGTATTTTTCAGGAAAAGGACCAGGGAAAAGGAGAGGT[C>A]CAACAATCAAGATATCCGGAGTTCAGGTTAATGTGAAATCCATTATCCAACATGAAGAGG-3'
Protein context (NP_001262.3, residues 1198-1218): EGKGPGKRRG[Pro1208Thr]TIKISGVQVN